The following is an entry in ClinVar:

ClinVar aggregate classification (germline): Likely pathogenic (1 of 4 stars; one submission).

Conditions:
Peroxisome biogenesis disorder. Identifiers: Orphanet 79189, MedGen C1832200, MONDO:0019234. Disease mechanism: loss of function.

Submission:

Myriad Genetics, Inc.
Classification: Likely pathogenic for Peroxisome biogenesis disorder. Last evaluated: 2021-12-16. Review status: criteria provided, single submitter. Criteria: Myriad Autosomal Dominant, Autosomal Recessive and X-Linked Classification Criteria (2023). Collection method: clinical testing. Allele origin: unknown.
Comment: NM_000466.2(PEX1):c.3298G>T(G1100*) is expected to be pathogenic in the context of peroxisome biogenesis disorder type 1. This variant is predicted to lead to an abnormal or absent protein product due to the creation of a premature termination codon in PEX1, a gene where loss-of-function variants are known to be pathogenic. Please note: this variant was assessed in the context of healthy population screening.

NM_000466.3(PEX1):c.3298G>T (p.Gly1100Ter)

Genes: GATAD1 (GATA zinc finger domain containing 1; plus strand), PEX1 (peroxisomal biogenesis factor 1; minus strand). Cytogenetic location: 7q21.2.
Variant type: single nucleotide variant.
Coding change: c.3298G>T on transcript NM_000466.3 (MANE Select); coding-DNA position 3298, G replaced by T.
Protein change: p.Gly1100Ter; replaces glycine 1100 with a stop codon.
Molecular consequence: nonsense.
Genome position (GRCh38, 1-based): chr7:92,491,412, C>A on the plus strand (G>T on the coding strand, the complement: PEX1 is on the minus strand). VCF-style: chr7-92491412-C-A. GRCh37 (hg19) VCF-style: chr7-92120726-C-A.
Other names: c.3127G>T, p.Gly1043Ter (NM_001282677.2); c.2674G>T, p.Gly892Ter (NM_001282678.2); short protein forms G1043*, G1100*, G892*.
Identifiers: ClinVar variation 1726360 (VCV001726360.3), dbSNP rs2484621408, ClinGen allele CA368164187.